The following is an entry in ClinVar:

NM_130837.3(OPA1):c.2984-1_2986del

Gene: OPA1 (OPA1 mitochondrial dynamin like GTPase; plus strand). Cytogenetic location: 3q29.
Variant type: Deletion.
Coding change: c.2984-1_2986del on transcript NM_130837.3 (MANE Select); the canonical splice acceptor site of the intron before coding-DNA position 2984 through coding-DNA position 2986, 4 bases deleted (GAGA; older notation c.2984-1_2986delGAGA).
Molecular consequence: splice acceptor variant.
Genome position (GRCh38, 1-based): chr3:193,692,062-193,692,065, GAGA deleted; deleting any 4 consecutive bases within chr3:193,692,061-193,692,065 gives the same sequence; the c. name uses the placement nearest the transcript's 3' end. VCF-style (leftmost placement, unchanged base first): chr3-193692060-CAGAG-C. GRCh37 (hg19) VCF-style: chr3-193409849-CAGAG-C.
Other names: c.2447-1_2449del (NM_001354664.2); c.2450-1_2452del (NM_001354663.2); c.2873-1_2875del (NM_130834.3); c.2930-1_2932del (NM_130836.3); c.2819-1_2821del (NM_015560.3); c.2876-1_2878del (NM_130835.3); c.2765-1_2767del (NM_130832.3); c.2822-1_2824del (NM_130833.3); and 1 more.
Identifiers: ClinVar variation 1451192 (VCV001451192.8), dbSNP rs2109460398, ClinGen allele CA2573136861.
Genomic context (GRCh38, chr3:193,692,060, plus strand): 5'-ATTACCTCCTGATTTGTGATACCTTTGAAAAATAAATGTTTTTCTTTATTTTTATCTCCA[CAGAG>C]AAAGTTAGAGAAATTCAAGAAAAACTTGATGCTTTCATTGAAGCTCTTCATCAGGAGAAA-3'

ClinVar aggregate classification (germline): Pathogenic/Likely pathogenic. Review status: criteria provided, multiple submitters, no conflicts (2 of 4 stars). 2 submissions from 2 submitters: Pathogenic (1); Likely pathogenic (1). Last evaluated 2025-12-10.

Submissions (2):

GeneDx
Classification: Likely pathogenic. Last evaluated: 2025-12-10. Review status: criteria provided, single submitter. Criteria: GeneDx Variant Classification Process June 2021. Collection method: clinical testing. Allele origin: germline. Affected: yes.
Comment: RNA studies demonstrate that this deletion results in the use of a cryptic splice acceptor site leading to an in-frame deletion (PMID: 22197506, 25374051); In silico analysis supports a deleterious effect on splicing; Not observed at significant frequency in large population cohorts (gnomAD); This variant is associated with the following publications: (PMID: 25374051, 29952689, 22197506)

Labcorp Genetics (formerly Invitae), Labcorp
Classification: Pathogenic. Last evaluated: 2023-08-10. Review status: criteria provided, single submitter. Criteria: Invitae Variant Classification Sherloc (09022015). Collection method: clinical testing. Allele origin: germline.
Comment: For these reasons, this variant has been classified as Pathogenic. Variants that disrupt the consensus splice site are a relatively common cause of aberrant splicing (PMID: 17576681, 9536098). Studies have shown that this variant results in the activation of a cryptic splice site in exon 28 (PMID: 22197506, 25374051, 29952689). ClinVar contains an entry for this variant (Variation ID: 1451192). This variant is also known as c.2983-1_2985del and c.2984-1_2986del. This variant has been observed in individuals with autosomal dominant optic atrophy (PMID: 22197506, 25374051, 29952689; Invitae). It has also been observed to segregate with disease in related individuals. This variant is not present in population databases (gnomAD no frequency). This variant results in the deletion of part of exon 28 (c.2819-1_2821del) of the OPA1 gene. RNA analysis indicates that this variant induces altered splicing and likely results in the loss of 2 amino acid residue(s), but is expected to preserve the integrity of the reading-frame.

Literature cited by the submitters: PubMed 17576681 (cited by Labcorp Genetics (formerly Invitae), Labcorp); PubMed 9536098 (cited by Labcorp Genetics (formerly Invitae), Labcorp); PubMed 22197506 (cited by Labcorp Genetics (formerly Invitae), Labcorp); PubMed 25374051 (cited by Labcorp Genetics (formerly Invitae), Labcorp); PubMed 29952689 (cited by Labcorp Genetics (formerly Invitae), Labcorp).